The following is an entry in ClinVar:

NM_006005.3(WFS1):c.713-1075C>G

Gene: WFS1 (wolframin ER transmembrane glycoprotein; plus strand). Cytogenetic location: 4p16.1.
Variant type: single nucleotide variant.
Coding change: c.713-1075C>G on transcript NM_006005.3 (MANE Select); 1075 bases into the intron before coding-DNA position 713, C replaced by G.
Molecular consequence: intron variant.
Genome position (GRCh38, 1-based): chr4:6,293,966, C>G. VCF-style: chr4-6293966-C-G. GRCh37 (hg19) VCF-style: chr4-6295693-C-G.
Other names: c.713-1075C>G (NM_001145853.1).
Identifiers: ClinVar variation 4528 (VCV000004528.10), dbSNP rs6446482, ClinGen allele CA116906.
Genomic context (GRCh38, chr4:6,293,966, plus strand): 5'-TACCTGGCTGTCCCATGGTCACCTCACAGCTCAGTCTACAGTGAGCTACTGAGGCCTGTG[C>G]TACCTGCCACTTGTGTGGGCCCCCCCAAGGCTGCCTCATCTCTTTGCTGCAGCTACACCT-3'

ClinVar aggregate classification (germline): Benign. Review status: criteria provided, multiple submitters, no conflicts (2 of 4 stars). 8 submissions from 8 submitters: Benign (6). 2 of the submissions do not count toward it. Last evaluated 2023-04-24.

Conditions:
Wolfram syndrome. Also called: DIDMOAD (Diabetes Insipidus, Diabetes Mellitus, Optic Atrophy, and Deafness); Diabetes mellitus AND insipidus with optic atrophy AND deafness. Identifiers: Orphanet 3463, MedGen C0043207, MONDO:0018105.
Type 2 diabetes mellitus. Also called: Type II diabetes mellitus. Identifiers: MedGen C0011860, MeSH D003924, MONDO:0005148, OMIM 125853, HP:0005978.
Diabetes mellitus, noninsulin-dependent, association with. Identifiers: MedGen C4016960.
Wolfram syndrome 1 (WFS1). Identifiers: Orphanet 3463, MedGen C4551693, MONDO:0009101, OMIM 222300.

Allele frequency attached by ClinVar (database versions not stated): gnomAD 0.62564 and 0.63370; 1000 Genomes Project 0.72125; TOPMed 0.64246; 1000 Genomes Project 30x 0.72049.
gnomAD v4.1: 96,182 of 152,072 alleles (63%); highest among the groups gnomAD compares: East Asian, 93%; 31,031 homozygotes.

Submissions (8):

Department of Pathology and Laboratory Medicine, Sinai Health System
Classification: Benign for Wolfram syndrome. Last evaluated: 2023-04-24. Review status: criteria provided, single submitter. Criteria: ACMG Guidelines, 2015. Collection method: research. Allele origin: germline.

H3Africa Consortium
Classification: Benign. Last evaluated: 2020-10-28. Review status: criteria provided, single submitter. Criteria: Choudhury A et al. (Nature 2020). Collection method: research. Allele origin: germline. Inheritance: Autosomal recessive inheritance. Study: H3Africa.
Comment: While the frequency of the alternate allele in gnoMAD v2.0.2 is 0.707, its frequency in African populations is >5%. This suggests that previous classifications of this variant as pathogenic are in error.

Mendelics
Classification: Benign for Wolfram syndrome 1. Last evaluated: 2019-05-28. Review status: criteria provided, single submitter. Criteria: Mendelics Assertion Criteria 2017. Collection method: clinical testing. Allele origin: unknown.

GeneDx
Classification: Benign. Last evaluated: 2018-06-14. Review status: criteria provided, single submitter. Criteria: GeneDx Variant Classification (06012015). Collection method: clinical testing. Allele origin: germline. Affected: yes.
Comment: This variant is considered likely benign or benign based on one or more of the following criteria: it is a conservative change, it occurs at a poorly conserved position in the protein, it is predicted to be benign by multiple in silico algorithms, and/or has population frequency not consistent with disease.

Breakthrough Genomics
Classification: Benign. Review status: criteria provided, single submitter. Criteria: ACMG Guidelines, 2015. Collection method: not provided. Allele origin: germline. Inheritance: Autosomal recessive inheritance. Affected: yes.

Clinical Genomics, Uppaluri K&H Personalized Medicine Clinic
Classification: Benign for Wolfram syndrome 1. Review status: criteria provided, single submitter. Criteria: K & H Uppaluri Personalized Medicine Clinic Variant Classification & Assertion Criteria_Updated V.1. Collection method: research. Allele origin: unknown. Inheritance: Autosomal recessive inheritance.
Comment: Mutations in WFS1 gene are associated with Wolfram's syndrome, an autosomal recessive condition, which cause diabetes mellitus, diabetes insipidus, deafness and optic atrophy. rs6446482 variant is also seen in patients with Diabetes Mellitus. However, the role of this particular variant is yet to be ascertained.

Reproductive Health Research and Development, BGI Genomics
Classification: Benign for Diabetes mellitus, noninsulin-dependent, association with. Last evaluated: 2020-01-06. Review status: no assertion criteria provided. Collection method: curation. Allele origin: germline. Not counted in ClinVar's aggregate classification.
Comment: NG_011700.1(NM_006005.3):c.713-1075C>G (rs6446482) in the WFS1 gene has an allele frequency of 0.647 in African subpopulation in the gnomAD database, including 6277 homozygous. This evidence suggests the variant to be classified as benign. ACMG/AMP criteria applied: BA1, BS2.

OMIM
Classification: Benign for RECLASSIFIED - WFS1 POLYMORPHISM. Last evaluated: 2007-08-01. Review status: no assertion criteria provided. Collection method: literature only. Allele origin: germline. Not counted in ClinVar's aggregate classification.

Literature cited by the submitters: PubMed 18040659 (cited by Clinical Genomics, Uppaluri K&H Personalized Medicine Clinic); PubMed 31604968 (cited by Clinical Genomics, Uppaluri K&H Personalized Medicine Clinic); PubMed 31759989 (cited by Clinical Genomics, Uppaluri K&H Personalized Medicine Clinic); Hamosh, A. Personal Communication. 2026. Baltimore, Md. (cited by OMIM); PubMed 17603484 (cited by OMIM).